The following is an entry in ClinVar:

NM_001394560.1(ZMAT1):c.1883A>T (p.Asp628Val)

Gene: ZMAT1 (zinc finger matrin-type 1; minus strand). Cytogenetic location: Xq22.1.
Variant type: single nucleotide variant.
Coding change: c.1883A>T on transcript NM_001394560.1 (MANE Select); coding-DNA position 1883, A replaced by T.
Protein change: p.Asp628Val; replaces aspartic acid 628 with valine.
Molecular consequence: missense variant.
Genome position (GRCh38, 1-based): chrX:101,883,715, T>A on the plus strand (A>T on the coding strand, the complement: ZMAT1 is on the minus strand). VCF-style: chrX-101883715-T-A. GRCh37 (hg19) VCF-style: chrX-101138687-T-A.
Other names: c.*1693A>T (NM_001011656.1); c.1712A>T, p.Asp571Val (NM_001011657.4); c.1199A>T, p.Asp400Val (NM_001282400.2, NM_001282401.2, NM_032441.1); short protein forms D400V, D571V, D628V.
Identifiers: ClinVar variation 2661073 (VCV002661073.24), dbSNP rs746916762, ClinGen allele CA10474825.

ClinVar aggregate classification (germline): Likely benign (1 of 4 stars; one submission).

Allele frequency attached by ClinVar (database versions not stated): TOPMed 0.00003; gnomAD 0.00006; 1000 Genomes Project 30x 0.00021; gnomAD exomes 0.00021; 1000 Genomes Project 0.00026; ExAC 0.00027.
gnomAD v4.1: 238 of 1,205,640 alleles (0.02%); highest among the groups gnomAD compares: South Asian, 0.27%; no homozygotes.

Submission:

CeGaT Center for Human Genetics Tuebingen
Classification: Likely benign. Last evaluated: 2023-04-01. Review status: criteria provided, single submitter. Criteria: CeGaT Center For Human Genetics Tuebingen Variant Classification Criteria Version 2. Collection method: clinical testing. Allele origin: germline. Affected: yes. Observed: 1 variant allele.
Comment: ZMAT1: BP4, BS2